The following is an entry in ClinVar:

NC_000003.12:g.(?_128479422)_(128487076_?)del

Gene: GATA2 (GATA binding protein 2; minus strand). Cytogenetic location: 3q21.3.
Variant type: Deletion.
Identifiers: ClinVar variation 417324 (VCV000417324.1).

ClinVar aggregate classification (germline): Pathogenic (1 of 4 stars; one submission).

Conditions:
Deafness-lymphedema-leukemia syndrome. Also called: Lymphedema, primary, with myelodysplasia; Emberger syndrome. Identifiers: Orphanet 3226, MedGen C3279664, MONDO:0013540, OMIM 614038.

Submission:

Labcorp Genetics (formerly Invitae), Labcorp
Classification: Pathogenic for Deafness-lymphedema-leukemia syndrome. Last evaluated: 2017-01-20. Review status: criteria provided, single submitter. Criteria: Invitae Variant Classification Sherloc (09022015). Collection method: clinical testing. Allele origin: germline.
Comment: A gross deletion of the genomic region encompassing the full coding sequence of the GATA2 gene has been identified. The boundaries of this event are unknown as the deletion extends beyond the assayed region for this gene and therefore may encompass additional genes. Loss-of-function variants in GATA2 are known to be pathogenic. Deletions of the entire GATA2 gene, including several of the surrounding genes, have been reported in the literature in individuals affected with myelodysplastic syndrome and/or acute myeloid leukemia (PMID: 23223431, 22147895). For these reasons, this variant has been classified as Pathogenic.